The following is an entry in ClinVar:

NM_001267550.2(TTN):c.44286del (p.Arg14762_Val14763insTer)

Gene: TTN (titin; minus strand). Cytogenetic location: 2q31.2.
Variant type: Deletion.
Coding change: c.44286del on transcript NM_001267550.2 (MANE Select); coding-DNA position 44286, one base deleted (A; older notation c.44286delA).
Protein change: p.Arg14762_Val14763insTer.
Molecular consequence: frameshift variant.
Genome position (GRCh38, 1-based): chr2:178,629,439, T deleted on the plus strand (A on the coding strand, the reverse complement: TTN is on the minus strand). VCF-style (leftmost placement, unchanged base first): chr2-178629438-CT-C. GRCh37 (hg19) VCF-style: chr2-179494165-CT-C.
Other names: c.39363del, p.Arg13121_Val13122insTer (NM_001256850.1); c.17091del, p.Arg5697_Val5698insTer (NM_003319.4); c.36582del, p.Arg12194_Val12195insTer (NM_133378.4); c.17466del, p.Arg5822_Val5823insTer (NM_133432.3); c.17667del, p.Arg5889_Val5890insTer (NM_133437.4).
Identifiers: ClinVar variation 4784310 (VCV004784310.1).

ClinVar aggregate classification (germline): Likely pathogenic (1 of 4 stars; one submission).

Conditions:
Dilated cardiomyopathy 1G (CMD1G). Identifiers: Orphanet 154, MedGen C1858763, MONDO:0011400, OMIM 604145.
Autosomal recessive limb-girdle muscular dystrophy type 2J (LGMDR10). Also called: Limb-girdle muscular dystrophy, type 2J; MUSCULAR DYSTROPHY, LIMB-GIRDLE, AUTOSOMAL RECESSIVE 10. Identifiers: Orphanet 140922, MedGen C1837342, MONDO:0012127, OMIM 608807.

Submission:

Labcorp Genetics (formerly Invitae), Labcorp
Classification: Likely pathogenic for Dilated cardiomyopathy 1G; Autosomal recessive limb-girdle muscular dystrophy type 2J. Last evaluated: 2025-02-28. Review status: criteria provided, single submitter. Criteria: Invitae Variant Classification Sherloc (09022015). Collection method: clinical testing. Allele origin: germline.
Comment: This sequence change creates a premature translational stop signal (p.Val14763*) in the TTN gene. While this is not anticipated to result in nonsense mediated decay, it is expected to create a truncated TTN protein. This variant is not present in population databases (gnomAD no frequency). This variant has not been reported in the literature in individuals affected with TTN-related conditions. This variant is located in the I band of TTN (PMID: 25589632). Truncating variants in this region have been reported in individuals affected with autosomal recessive centronuclear myopathy (PMID: 23975875, internal data). Truncating variants in this region have also been identified in individuals affected with autosomal dominant dilated cardiomyopathy and/or cardio-related conditions (PMID: 27869827, 32964742, internal data). In summary, the currently available evidence indicates that the variant is pathogenic, but additional data are needed to prove that conclusively. Therefore, this variant has been classified as Likely Pathogenic.

Literature cited by the submitters: PubMed 25589632; PubMed 23975875; PubMed 27869827; PubMed 32964742.